The following is an entry in ClinVar:

NM_020919.4(ALS2):c.1039_1042del (p.Glu347fs)

Gene: ALS2 (alsin Rho guanine nucleotide exchange factor ALS2; minus strand). Cytogenetic location: 2q33.1.
Variant type: Deletion.
Coding change: c.1039_1042del on transcript NM_020919.4 (MANE Select); coding-DNA positions 1039 to 1042, 4 bases deleted (GAAT; older notation c.1039_1042delGAAT).
Protein change: p.Glu347fs; shifts the reading frame from glutamic acid 347.
Molecular consequence: frameshift variant.
Genome position (GRCh38, 1-based): chr2:201,760,952-201,760,955, ATTC deleted on the plus strand (GAAT on the coding strand, the reverse complement: ALS2 is on the minus strand); deleting any 4 consecutive bases within chr2:201,760,952-201,760,958 gives the same sequence; the c. name uses the placement nearest the transcript's 3' end. VCF-style (leftmost placement, unchanged base first): chr2-201760951-TATTC-T. GRCh37 (hg19) VCF-style: chr2-202625674-TATTC-T.
Other names: c.1039_1042del, p.Glu347fs (NM_001135745.2, NM_001410975.1); short protein forms E347fs.
Identifiers: ClinVar variation 4849695 (VCV004849695.1).
Genomic context (GRCh38, chr2:201,760,951, plus strand): 5'-ACTGGCTTTTCACCATGCTCTGAGTCCTCTCTTACTGAATGATCTGACAGTTTCCGTAGG[TATTC>T]ATTGACTGCTTGGGTGTCAGGGTATGATGGTATGTTTCTGGCAGAGGAAATTTCAGTTGT-3'

ClinVar aggregate classification (germline): Likely pathogenic (1 of 4 stars; one submission).

Conditions:
Infantile-onset ascending hereditary spastic paralysis (IAHSP). Also called: Infantile-Onset Ascending Hereditary Spastic Paralysis (IAHSP); Autosomal Recessive Juvenile Amyotrophic Lateral Sclerosis. Identifiers: Orphanet 293168, MedGen C2931441, MONDO:0011797, OMIM 607225. Disease mechanism: loss of function.

Submission:

Diagnostics Services (NGS), CSIR - Centre For Cellular And Molecular Biology
Classification: Likely pathogenic for Infantile-onset ascending hereditary spastic paralysis. Last evaluated: 2026-02-13. Review status: criteria provided, single submitter. Criteria: ACMG Guidelines, 2015. Collection method: clinical testing. Allele origin: germline. Affected: yes. Observed: 1 variant allele, 1 homozygote.
Comment: The c.1039_1042del variant is not present in publicly available population databases like 1000 Genomes, EVS, gnomAD, Indian Exome Database or in our internal database. This variant has neither been published in the literature for ALS2-related conditions nor reported to clinical databases like Human Genome Mutation Database (HGMD), ClinVar or OMIM in any affected individuals. In-silico pathogenicity prediction programs like MutationTaster2021, CADD, Franklin, Varsome, InterVar, etc. predicted this variant to be likely deleterious. This variant causes frameshift at the 347th amino acid position of the wild-type transcript which creates a premature translational stop signal at the altered transcript, that may either result in translation of a truncated protein or cause nonsense-mediated decay of the mRNA.